The following is an entry in ClinVar:

ClinVar aggregate classification (germline): Uncertain significance (1 of 4 stars; one submission).

Conditions:
Inborn genetic diseases. Identifiers: MedGen C0950123, MeSH D030342.

Submission:

Ambry Genetics
Classification: Uncertain significance for Inborn genetic diseases. Last evaluated: 2026-07-07. Review status: criteria provided, single submitter. Criteria: Ambry Variant Classification Scheme 2023. Collection method: clinical testing. Allele origin: germline.
Comment: The p.I642T variant (also known as c.1925T>C), located in coding exon 13 of the CACNA1S gene, results from a T to C substitution at nucleotide position 1925. The isoleucine at codon 642 is replaced by threonine, an amino acid with similar properties. This amino acid position is conserved. In addition, this alteration is predicted to be deleterious by in silico analysis. Based on the available evidence, the clinical significance of this variant remains unclear.

NM_000069.3(CACNA1S):c.1925T>C (p.Ile642Thr)

Gene: CACNA1S (calcium voltage-gated channel subunit alpha1 S; minus strand). Cytogenetic location: 1q32.1.
Variant type: single nucleotide variant.
Coding change: c.1925T>C on transcript NM_000069.3 (MANE Select); coding-DNA position 1925, T replaced by C.
Protein change: p.Ile642Thr; replaces isoleucine 642 with threonine.
Molecular consequence: missense variant.
Genome position (GRCh38, 1-based): chr1:201,075,518, A>G on the plus strand (T>C on the coding strand, the complement: CACNA1S is on the minus strand). VCF-style: chr1-201075518-A-G. GRCh37 (hg19) VCF-style: chr1-201044646-A-G.
Other names: short protein forms I642T.
Identifiers: ClinVar variation 5033625 (VCV005033625.1).
Genomic context (GRCh38, chr1:201,075,518, plus strand): 5'-CTAAGCTCTTTTCTGCACCCTGCTCCCGAGAGGATACAGTTGCCACAGACGAAAAGGATG[A>G]TGAAGTAAATGCACACAAGCATGCCAGGGTAGGACGGCCCGCCGTAGGCCATGATCCCAT-3'
Protein context (NP_000060.2, residues 632-652): YPGMLVCIYF[Ile642Thr]ILFVCGNYIL